The following is an entry in ClinVar:

NM_004456.5(EZH2):c.1119del (p.Thr374fs)

Gene: EZH2 (enhancer of zeste 2 polycomb repressive complex 2 subunit; minus strand). Cytogenetic location: 7q36.1.
Variant type: Deletion.
Coding change: c.1119del on transcript NM_004456.5 (MANE Select); coding-DNA position 1119, one base deleted (C; older notation c.1119delC).
Protein change: p.Thr374fs; shifts the reading frame from threonine 374.
Molecular consequence: frameshift variant.
Genome position (GRCh38, 1-based): chr7:148,817,998, G deleted on the plus strand (C on the coding strand, the reverse complement: EZH2 is on the minus strand); the first of 5 consecutive G bases (chr7:148,817,998-148,818,002); deleting any one gives the same sequence. VCF-style (leftmost placement, unchanged base first): chr7-148817997-TG-T. GRCh37 (hg19) VCF-style: chr7-148515089-TG-T.
Other names: c.1119delC (NM_004456.4); c.1104del, p.Thr369fs (NM_001203247.2); c.1077del, p.Thr360fs (NM_001203248.2, NM_001203249.2); c.987del, p.Thr330fs (NM_152998.3); short protein forms T360fs, T374fs, T330fs, T369fs.
Identifiers: ClinVar variation 424019 (VCV000424019.2), dbSNP rs1064796749, ClinGen allele CA16618393.
Genomic context (GRCh38, chr7:148,817,997, plus strand): 5'-CCGTTTCAGTCCCTGCTTCCCTATCACTGTCTGTATCCTTTGATTCCAGCACATTAATGG[TG>T]GGGGTGCTGGGCCTGCTACTGTTATTGGGAAGCCGTCCTCTTCTGCGGCCTCCTGGACGT-3'

ClinVar aggregate classification (germline): Uncertain significance (1 of 4 stars; one submission).

Submission:

GeneDx
Classification: Uncertain significance. Last evaluated: 2017-02-24. Review status: criteria provided, single submitter. Criteria: GeneDx Variant Classification (06012015). Collection method: clinical testing. Allele origin: germline. Affected: yes.
Comment: The c.1119delC variant in the EZH2 gene has not been reported previously as a pathogenic variant nor as a benign variant, to our knowledge. This variant causes a frameshift starting with codon Threonine 374, changes this amino acid to a Proline residue, and creates a premature Stop codon at position 50 of the new reading frame, denoted p.Thr374ProfsX50. Although this variant is predicted to cause loss of normal protein function either through protein truncation or nonsense-mediated mRNA decay, very few loss of function EZH2 variants have been reported in association with disease. The c.1119delC variant is not observed in large population cohorts (Lek et al., 2016; 1000 Genomes Consortium et al., 2015; Exome Variant Server). We interpret c.1119delC as a variant of uncertain significance.